The following is an entry in ClinVar:

ClinVar aggregate classification (germline): Uncertain significance (1 of 4 stars; one submission).

Submission:

Ambry Genetics
Classification: Uncertain significance. Last evaluated: 2026-07-26. Review status: criteria provided, single submitter. Criteria: Ambry Variant Classification Scheme 2023. Collection method: clinical testing. Allele origin: germline.
Comment: The p.E483V variant (also known as c.1448A>T), located in coding exon 14 of the NEBL gene, results from an A to T substitution at nucleotide position 1448. The glutamic acid at codon 483 is replaced by valine, an amino acid with dissimilar properties. This amino acid position is conserved. In addition, this alteration is predicted to be tolerated by in silico analysis. Based on the available evidence, the clinical significance of this variant remains unclear.

NM_006393.3(NEBL):c.1448A>T (p.Glu483Val)

Gene: NEBL (nebulette; minus strand). Cytogenetic location: 10p12.31.
Variant type: single nucleotide variant.
Coding change: c.1448A>T on transcript NM_006393.3 (MANE Select); coding-DNA position 1448, A replaced by T.
Protein change: p.Glu483Val; replaces glutamic acid 483 with valine.
Molecular consequence: missense variant. On other transcripts: intron variant (9).
Genome position (GRCh38, 1-based): chr10:20,835,514, T>A on the plus strand (A>T on the coding strand, the complement: NEBL is on the minus strand). VCF-style: chr10-20835514-T-A. GRCh37 (hg19) VCF-style: chr10-21124443-T-A.
Other names: c.250-22574A>T (NM_001377326.1, NM_001377327.1, NM_001377328.1); c.358-22574A>T (NM_213569.2, NM_001173484.2, NM_001377322.1); c.301-22574A>T (NM_001377324.1); c.292-22574A>T (NM_001377325.1); c.310-22574A>T (NM_001377323.1); short protein forms E483V.
Identifiers: ClinVar variation 5025465 (VCV005025465.1).